The following is an entry in ClinVar:

NM_198569.3(ADGRG6):c.3602C>G (p.Ser1201Ter)

Gene: ADGRG6 (adhesion G protein-coupled receptor G6; plus strand). Cytogenetic location: 6q24.2.
Variant type: single nucleotide variant.
Coding change: c.3602C>G on transcript NM_198569.3 (MANE Select); coding-DNA position 3602, C replaced by G.
Protein change: p.Ser1201Ter; replaces serine 1201 with a stop codon.
Molecular consequence: nonsense. On other transcripts: synonymous variant (2).
Genome position (GRCh38, 1-based): chr6:142,443,364, C>G. VCF-style: chr6-142443364-C-G. GRCh37 (hg19) VCF-style: chr6-142764501-C-G.
Other names: c.3564C>G, p.Val1188= (NM_001032394.3); c.3518C>G, p.Ser1173Ter (NM_001032395.3); c.3648C>G, p.Val1216= (NM_020455.6); short protein forms S1173*, S1201*.
Identifiers: ClinVar variation 4847156 (VCV004847156.3).

ClinVar aggregate classification (germline): Uncertain significance. Review status: criteria provided, multiple submitters, no conflicts (2 of 4 stars). 2 submissions from 2 submitters: Uncertain significance (2). Last evaluated 2026-03-17.

gnomAD v4.1: 32 of 1,611,716 alleles (0.002%); highest among the groups gnomAD compares: Admixed American, 0.015%; no homozygotes.

Submissions (2):

Women's Health and Genetics/Laboratory Corporation of America, LabCorp
Classification: Uncertain significance. Last evaluated: 2026-03-17. Review status: criteria provided, single submitter. Criteria: LabCorp Variant Classification Summary - May 2015. Collection method: clinical testing. Allele origin: germline.
Comment: Variant summary: ADGRG6 c.3602C>G (p.Ser1201X) results in a premature termination codon in the last exon predicted to cause a truncation of the encoded protein, however, nonsense mediated decay is not expected to occur. The variant allele was found at a frequency of 1.6e-05 in 247044 control chromosomes. The available data on variant occurrences in the general population are insufficient to allow any conclusion about variant significance. To our knowledge, no occurrence of c.3602C>G in individuals affected with ADGRG6-related conditions and no experimental evidence demonstrating its impact on protein function have been reported. No truncating and missense variants have been classified as pathogenic or likely pathogenic. No submitters have cited clinical-significance assessments for this variant to ClinVar. Based on the evidence outlined above, the variant was classified as uncertain significance.

Dasa
Classification: Uncertain significance. Last evaluated: 2025-12-09. Review status: criteria provided, single submitter. Criteria: DASA Assertion Criteria. Collection method: clinical testing. Allele origin: germline.
Comment: NM_198569.3(ADGRG6):c.3602C>G (p.Ser1201*) is a nonsense variant in ADGRG6 predicted to introduce a premature termination codon and is predicted to result in an absent or altered protein product. This variant is rare in population databases. The currently available literature and clinical evidence are not sufficient to establish a definitive association between this variant and the reported condition. Therefore, this variant is classified as a variant of uncertain significance.